The following is an entry in ClinVar:

ClinVar aggregate classification (germline): Uncertain significance (1 of 4 stars; one submission).

Conditions:
Dyskeratosis congenita. Identifiers: Orphanet 1775, MedGen C0265965, MONDO:0015780.

Submission:

Ambry Genetics
Classification: Uncertain significance for Dyskeratosis congenita. Last evaluated: 2026-03-29. Review status: criteria provided, single submitter. Criteria: Ambry Variant Classification Scheme 2023. Collection method: clinical testing. Allele origin: germline.
Comment: The p.S295Y variant (also known as c.884C>A), located in coding exon 2 of the TERT gene, results from a C to A substitution at nucleotide position 884. The serine at codon 295 is replaced by tyrosine, an amino acid with dissimilar properties. This amino acid position is conserved. In addition, the in silico prediction for this alteration is inconclusive. Based on the available evidence, the clinical significance of this variant remains unclear.

NM_198253.3(TERT):c.884C>A (p.Ser295Tyr)

Gene: TERT (telomerase reverse transcriptase; minus strand). Cytogenetic location: 5p15.33.
Variant type: single nucleotide variant.
Coding change: c.884C>A on transcript NM_198253.3 (MANE Select); coding-DNA position 884, C replaced by A.
Protein change: p.Ser295Tyr; replaces serine 295 with tyrosine.
Molecular consequence: missense variant. On other transcripts: non-coding transcript variant (2).
Genome position (GRCh38, 1-based): chr5:1,294,002, G>T on the plus strand (C>A on the coding strand, the complement: TERT is on the minus strand). VCF-style: chr5-1294002-G-T. GRCh37 (hg19) VCF-style: chr5-1294117-G-T.
Other names: c.884C>A, p.Ser295Tyr (NM_001193376.3); short protein forms S295Y.
Identifiers: ClinVar variation 4865459 (VCV004865459.1).